The following is an entry in ClinVar:

NM_001271.4(CHD2):c.5211C>G (p.His1737Gln)

Gene: CHD2 (chromodomain helicase DNA binding protein 2; plus strand). Cytogenetic location: 15q26.1.
Variant type: single nucleotide variant.
Coding change: c.5211C>G on transcript NM_001271.4 (MANE Select); coding-DNA position 5211, C replaced by G.
Protein change: p.His1737Gln; replaces histidine 1737 with glutamine.
Molecular consequence: missense variant.
Genome position (GRCh38, 1-based): chr15:93,024,429, C>G. VCF-style: chr15-93024429-C-G. GRCh37 (hg19) VCF-style: chr15-93567659-C-G.
Other names: short protein forms H1737Q.
Identifiers: ClinVar variation 1375346 (VCV001375346.8), dbSNP rs1350393242, ClinGen allele CA393908303.

ClinVar aggregate classification (germline): Uncertain significance (1 of 4 stars; one submission).

Conditions:
Developmental and epileptic encephalopathy 94 (DEE94). Also called: CHD2-Related Neurodevelopmental Disorders; Epileptic encephalopathy, childhood-onset. Identifiers: Orphanet 1942, Orphanet 2382, MedGen C3809278, MONDO:0014150, OMIM 615369.

Allele frequency attached by ClinVar (database versions not stated): TOPMed below 0.00001; gnomAD 0.00001.
gnomAD v4.1: 1 of 1,614,022 alleles (0.000062%); no homozygotes.

Submission:

Labcorp Genetics (formerly Invitae), Labcorp
Classification: Uncertain significance for Developmental and epileptic encephalopathy 94. Last evaluated: 2024-06-12. Review status: criteria provided, single submitter. Criteria: Invitae Variant Classification Sherloc (09022015). Collection method: clinical testing. Allele origin: germline.
Comment: This sequence change replaces histidine, which is basic and polar, with glutamine, which is neutral and polar, at codon 1737 of the CHD2 protein (p.His1737Gln). This variant is not present in population databases (gnomAD no frequency). This missense change has been observed in individual(s) with clinical features of epileptic encephalopathy (Invitae). ClinVar contains an entry for this variant (Variation ID: 1375346). Advanced modeling of protein sequence and biophysical properties (such as structural, functional, and spatial information, amino acid conservation, physicochemical variation, residue mobility, and thermodynamic stability) performed at Invitae indicates that this missense variant is not expected to disrupt CHD2 protein function with a negative predictive value of 95%. In summary, the available evidence is currently insufficient to determine the role of this variant in disease. Therefore, it has been classified as a Variant of Uncertain Significance.